The following is an entry in ClinVar:

ClinVar aggregate classification (germline): Uncertain significance (1 of 4 stars; one submission).

Conditions:
Hereditary spastic paraplegia 3A (SPG3A). Also called: SPASTIC PARAPLEGIA 3, AUTOSOMAL DOMINANT; FAMILIAL SPASTIC PARAPLEGIA, AUTOSOMAL DOMINANT, 1; SPG3; STRUMPELL DISEASE; Spastic Paraplegia 3A; Spastic paraplegia 3A, autosomal dominant. Identifiers: Orphanet 100984, MedGen C2931355, MONDO:0008437, OMIM 182600.

Submission:

Labcorp Genetics (formerly Invitae), Labcorp
Classification: Uncertain significance for Hereditary spastic paraplegia 3A. Last evaluated: 2025-09-17. Review status: criteria provided, single submitter. Criteria: Invitae Variant Classification Sherloc (09022015). Collection method: clinical testing. Allele origin: germline.
Comment: This sequence change replaces threonine, which is neutral and polar, with asparagine, which is neutral and polar, at codon 389 of the ATL1 protein (p.Thr389Asn). This variant is not present in population databases (gnomAD no frequency). This variant has not been reported in the literature in individuals affected with ATL1-related conditions. An algorithm developed to predict the effect of missense changes on protein structure and function outputs the following: PolyPhen-2: "Benign". The asparagine amino acid residue is found in multiple mammalian species, which suggests that this missense change does not adversely affect protein function. In summary, the available evidence is currently insufficient to determine the role of this variant in disease. Therefore, it has been classified as a Variant of Uncertain Significance.

NM_015915.5(ATL1):c.1166C>A (p.Thr389Asn)

Gene: ATL1 (atlastin GTPase 1; plus strand). Cytogenetic location: 14q22.1.
Variant type: single nucleotide variant.
Coding change: c.1166C>A on transcript NM_015915.5 (MANE Select); coding-DNA position 1166, C replaced by A.
Protein change: p.Thr389Asn; replaces threonine 389 with asparagine.
Molecular consequence: missense variant.
Genome position (GRCh38, 1-based): chr14:50,628,077, C>A. VCF-style: chr14-50628077-C-A. GRCh37 (hg19) VCF-style: chr14-51094795-C-A.
Other names: c.1166C>A, p.Thr389Asn (NM_001127713.1, NM_181598.4); short protein forms T389N.
Identifiers: ClinVar variation 4732867 (VCV004732867.1).
Genomic context (GRCh38, chr14:50,628,077, plus strand): 5'-TCTATCTGATACAGATTTGTGGTGGTGACAAACCATTTCTGGCCCCAAATGACTTGCAGA[C>A]CAAACACCTGCAACTTAAGGAAGAATCTGTGAAGCTATTCCGAGGGGTGAAGAAGATGGG-3'
Protein context (NP_056999.2, residues 379-399): KPFLAPNDLQ[Thr389Asn]KHLQLKEESV